The following is an entry in ClinVar:

ClinVar aggregate classification (germline): Benign (1 of 4 stars; one submission).

Conditions:
Congenital fibrosis of extraocular muscles type 1. Also called: FEOM1 LOCUS; OPHTHALMOPLEGIA, CONGENITAL; CFEOM3B; BLEPHAROPTOSIS WITH ABSENT EYE MOVEMENTS. Identifiers: MedGen C1851102, MONDO:0021083, OMIM 135700.

Allele frequency attached by ClinVar (database versions not stated): gnomAD exomes 0.00022; 1000 Genomes Project 30x 0.00172; gnomAD 0.00268 and 0.00288; TOPMed 0.00278; 1000 Genomes Project 0.00220.

Submission:

Illumina Laboratory Services, Illumina
Classification: Benign for Congenital fibrosis of extraocular muscles type 1. Last evaluated: 2018-01-13. Review status: criteria provided, single submitter. Criteria: ICSL Variant Classification Criteria 13 December 2019. Collection method: clinical testing. Allele origin: germline.
Comment: This variant was observed in the ICSL laboratory as part of a predisposition screen in an ostensibly healthy population. It had not been previously curated by ICSL or reported in the Human Gene Mutation Database (HGMD: prior to June 1st, 2018), and was therefore a candidate for classification through an automated scoring system. Utilizing variant allele frequency, disease prevalence and penetrance estimates, and inheritance mode, an automated score was calculated to assess if this variant is too frequent to cause the disease. Based on the score and internal cut-off values, a variant classified as benign is not then subjected to further curation. The score for this variant resulted in a classification of benign for this disease.

NM_017641.3(KIF21A):c.-210C>T

Gene: KIF21A (kinesin family member 21A; minus strand). Cytogenetic location: 12q12.
Variant type: single nucleotide variant.
Coding change: c.-210C>T on transcript NM_017641.3; 210 bases upstream of the start codon, C replaced by T.
Genome position (GRCh38, 1-based): chr12:39,443,180, G>A on the plus strand (C>T on the coding strand, the complement: KIF21A is on the minus strand). VCF-style: chr12-39443180-G-A. GRCh37 (hg19) VCF-style: chr12-39836982-G-A.
Identifiers: ClinVar variation 308601 (VCV000308601.7), dbSNP rs113038492, ClinGen allele CA10641146.